The following is an entry in ClinVar:

ClinVar aggregate classification (germline): Uncertain significance (1 of 4 stars; one submission).

Conditions:
Dystonia 28, childhood-onset (DYT28). Also called: KMT2B-Related Dystonia (DYT-KMT2B). Identifiers: Orphanet 589618, MedGen C4310633, MONDO:0015004, OMIM 617284.

gnomAD v4.1: 1 of 1,540,402 alleles (0.000065%); no homozygotes.

Submission:

3billion
Classification: Uncertain significance for Dystonia 28, childhood-onset. Last evaluated: 2024-01-02. Review status: criteria provided, single submitter. Criteria: ACMG Guidelines, 2015. Collection method: clinical testing. Allele origin: germline. Affected: yes.
Comment: The variant is not observed in the gnomAD v2.1.1 dataset. Predicted Consequence/Location: Intron variant In silico tools predict the variant to alter splicing and produce an abnormal transcript [SpliceAI: 0.24 (>=0.2, moderate evidence for spliceogenicity)]. Therefore, this variant is classified as VUS according to the recommendation of ACMG/AMP guideline.

NM_014727.3(KMT2B):c.2458-46A>T

Gene: KMT2B (lysine methyltransferase 2B; plus strand). Cytogenetic location: 19q13.12.
Variant type: single nucleotide variant.
Coding change: c.2458-46A>T on transcript NM_014727.3 (MANE Select); 46 bases into the intron before coding-DNA position 2458, A replaced by T.
Molecular consequence: intron variant.
Genome position (GRCh38, 1-based): chr19:35,722,313, A>T. VCF-style: chr19-35722313-A-T. GRCh37 (hg19) VCF-style: chr19-36213215-A-T.
Identifiers: ClinVar variation 3775882 (VCV003775882.1).